The following is an entry in ClinVar:

NM_002474.3(MYH11):c.2652+6T>G

Gene: MYH11 (myosin heavy chain 11; minus strand). Cytogenetic location: 16p13.11.
Variant type: single nucleotide variant.
Coding change: c.2652+6T>G on transcript NM_002474.3 (MANE Select); 6 bases into the intron after coding-DNA position 2652, T replaced by G.
Molecular consequence: intron variant.
Genome position (GRCh38, 1-based): chr16:15,741,754, A>C on the plus strand (T>G on the coding strand, the complement: MYH11 is on the minus strand). VCF-style: chr16-15741754-A-C. GRCh37 (hg19) VCF-style: chr16-15835611-A-C.
Other names: c.2652+6T>G (NM_022844.3); c.2673+6T>G (NM_001040114.2, NM_001040113.2).
Identifiers: ClinVar variation 3070096 (VCV003070096.1), dbSNP rs765272495, ClinGen allele CA7922213.

ClinVar aggregate classification (germline): Uncertain significance (1 of 4 stars; one submission).

Conditions:
Familial thoracic aortic aneurysm and aortic dissection (TAAD). Also called: Thoracic aortic aneurysms and dissections. Identifiers: Orphanet 91387, MedGen C4707243, MONDO:0019625.

gnomAD v4.1: 3 of 1,614,092 alleles (0.00019%); highest among the groups gnomAD compares: Admixed American, 0.005%; no homozygotes.

Submission:

All of Us Research Program, National Institutes of Health
Classification: Uncertain significance for Familial thoracic aortic aneurysm and aortic dissection. Last evaluated: 2023-06-28. Review status: criteria provided, single submitter. Criteria: ACMG Guidelines, 2015. Collection method: clinical testing. Allele origin: germline. Inheritance: Autosomal dominant inheritance. Observed: 2 variant alleles, 2 heterozygotes.
Comment: This variant causes a T to G nucleotide substitution at the +6 position of intron 22 of the MYH11 gene. Splice site prediction tools predict that this variant may have a significant impact on RNA splicing. To our knowledge, RNA studies have not been reported for this variant. This variant has not been reported in individuals affected with MYH11-related disorders in the literature. This variant has been identified in 2/251466 chromosomes in the general population by the Genome Aggregation Database (gnomAD). The available evidence is insufficient to determine the role of this variant in disease conclusively. Therefore, this variant is classified as a Variant of Uncertain Significance.

This study involves interpretation of variants in research participants for the purpose of population health screening. Participant phenotype was not available at the time of variant classification. Additional details can be found in publication PMID: 35346344, PMCID: PMC8962531